The following is an entry in ClinVar:

ClinVar aggregate classification (germline): Conflicting classifications of pathogenicity. Review status: criteria provided, conflicting classifications (1 of 4 stars). 5 submissions from 5 submitters: Likely pathogenic (1); Uncertain significance (2). 2 of the submissions do not count toward it. Last evaluated 2025-10-11.

Conditions:
SNIP1-related disorder. Also called: SNIP1-related condition.
Psychomotor retardation, epilepsy, and craniofacial dysmorphism (NEDHCS). Also called: NEURODEVELOPMENTAL DISORDER WITH HYPOTONIA, CRANIOFACIAL ABNORMALITIES, AND SEIZURES. Identifiers: MedGen C3281055, MONDO:0013787, OMIM 614501.

Allele frequency attached by ClinVar (database versions not stated): gnomAD 0.00001 and 0.00008; gnomAD exomes 0.00001; TOPMed 0.00009.
gnomAD v4.1: 15 of 1,614,100 alleles (0.00093%); highest among the groups gnomAD compares: Non-Finnish European, 0.00034%; no homozygotes.

Submissions (5):

Labcorp Genetics (formerly Invitae), Labcorp
Classification: Uncertain significance. Last evaluated: 2025-10-11. Review status: criteria provided, single submitter. Criteria: Invitae Variant Classification Sherloc (09022015). Collection method: clinical testing. Allele origin: germline.
Comment: This sequence change replaces glutamic acid, which is acidic and polar, with glycine, which is neutral and non-polar, at codon 366 of the SNIP1 protein (p.Glu366Gly). This variant is not present in population databases (gnomAD no frequency). This missense change has been observed in individual(s) with autosomal recessive syndromic epilepsy and skull dysplasia (PMID: 22279524, 34570759). It has also been observed to segregate with disease in related individuals. ClinVar contains an entry for this variant (Variation ID: 30717). Invitae Evidence Modeling of protein sequence and biophysical properties (such as structural, functional, and spatial information, amino acid conservation, physicochemical variation, residue mobility, and thermodynamic stability) indicates that this missense variant is expected to disrupt SNIP1 protein function with a positive predictive value of 80%. Experimental studies have shown that this missense change affects SNIP1 function (PMID: 22279524). In summary, the available evidence is currently insufficient to determine the role of this variant in disease. Therefore, it has been classified as a Variant of Uncertain Significance.

Illumina Laboratory Services, Illumina
Classification: Likely pathogenic for Psychomotor retardation, epilepsy, and craniofacial dysmorphism. Last evaluated: 2022-03-22. Review status: criteria provided, single submitter. Criteria: ICSLVariantClassificationCriteria RUGD 01 April 2020. Collection method: clinical testing. Allele origin: unknown.
Comment: The SNIP1 c.1097A>G p.(Glu366Gly) missense variant results in substitution of glutamic acid at amino acid position 366 with glycine. This variant has been reported in a homozygous state in at least 35 individuals from 21 interrelated Old Order Amish families diagnosed with neurodevelopmental disorder with hypotonia, craniofacial abnormalities, and seizures, with segregation noted in several families (Puffenbuerger et al. 2012; Ammous et al. 2021). This variant is reported in the Genome Aggregation Database in ten alleles at a frequency of 0.01096 in the Amish population (version 3.1.2). The variant is present in the C-terminus portion of the protein, which is known to interact with c-Myc, SMAD1 and SMAD2 (Puffenberger et al. 2012). Transient overexpression of wild-type and p.Glu353Gly Snip1 mouse protein (corresponding to human p.Glu366Gly protein) in mIMCD3 cells revealed the mutant protein to have a more aggregated appearance as compared to wild-type protein and also resulted in decreased protein levels suggestive of an unstable protein (Puffenberger et al. 2012). Multiple lines of computational evidence suggest the variant may have a deleterious impact on the gene or gene product. Based on the available evidence the c.1097A>G p.(Glu366Gly) variant is classified as likely pathogenic for neurodevelopmental disorder with hypotonia, craniofacial abnormalities, and seizures.

Ambry Genetics
Classification: Uncertain significance. Last evaluated: 2020-12-22. Review status: criteria provided, single submitter. Criteria: Ambry Variant Classification Scheme 2023. Collection method: clinical testing. Allele origin: germline.
Comment: The c.1097A>G (p.E366G) alteration is located in exon 4 (coding exon 4) of the SNIP1 gene. This alteration results from a A to G substitution at nucleotide position 1097, causing the glutamic acid (E) at amino acid position 366 to be replaced by a glycine (G). Based on data from the Genome Aggregation Database (gnomAD), the SNIP1 c.1097A>G alteration was not observed, with coverage at this position. A brain MRI showed enlarged ventricles, a thin corpus callosum, hypomyelination, and an irregular, undulating skull surface (Puffenberger, 2012). The p.E366 amino acid is conserved in available vertebrate species. The in silico prediction for the p.E366G alteration is inconclusive. Based on insufficient or conflicting evidence, the clinical significance of this alteration remains unclear.

PreventionGenetics, part of Exact Sciences
Classification: Likely pathogenic for SNIP1-related condition. Last evaluated: 2024-06-22. Review status: no assertion criteria provided. Collection method: clinical testing. Allele origin: germline. Not counted in ClinVar's aggregate classification.
Comment: The SNIP1 c.1097A>G variant is predicted to result in the amino acid substitution p.Glu366Gly. This variant has been reported in the homozygous state in three Old Order Amish patients with symptomatic epilepsy and skull dysplasia (Puffenberger et al. 2012. PubMed ID: 22279524). An additional large study detected this variant in the homozygous state in thirty-five affected Old Order Amish individuals with a neurodevelopmental disorder and varied clinical phenotypes (Ammous et al 2021. PubMed ID: 34570759). An in vitro mouse model found this variant results in a more aggregated localization in the nucleus compared to wild type and Western blot analysis suggested it is unstable (Puffenberger et al. 2012. PubMed ID: 22279524). Analysis of >5,000 Amish control samples indicated an allele frequency of 0.5% (Pennsylvania Amish) to 1.4% (Ohio/Indiana/Wisconsin Amish) in this founder population with no unaffected individuals being homozygous for this variant (Ammous et al 2021. PubMed ID: 34570759; Puffenberger et al. 2012. PubMed ID: 22279524). In summary, we interpret this variant as likely pathogenic.

OMIM
Classification: Pathogenic for NEURODEVELOPMENTAL DISORDER WITH HYPOTONIA, CRANIOFACIAL ABNORMALITIES, AND SEIZURES. Last evaluated: 2012-01-01. Review status: no assertion criteria provided. Collection method: literature only. Allele origin: germline. Not counted in ClinVar's aggregate classification.

Literature cited by the submitters: PubMed 22279524 (cited by 3 submitters); PubMed 34570759 (cited by Labcorp Genetics (formerly Invitae), Labcorp and OMIM); Puffenberger, E. G. Personal Communication. 2012. Strasburg, Pa. (cited by OMIM).

NM_024700.4(SNIP1):c.1097A>G (p.Glu366Gly)

Gene: SNIP1 (Smad nuclear interacting protein 1; minus strand). Cytogenetic location: 1p34.3.
Variant type: single nucleotide variant.
Coding change: c.1097A>G on transcript NM_024700.4 (MANE Select); coding-DNA position 1097, A replaced by G.
Protein change: p.Glu366Gly; replaces glutamic acid 366 with glycine.
Molecular consequence: missense variant.
Genome position (GRCh38, 1-based): chr1:37,537,842, T>C on the plus strand (A>G on the coding strand, the complement: SNIP1 is on the minus strand). VCF-style: chr1-37537842-T-C. GRCh37 (hg19) VCF-style: chr1-38003443-T-C.
Other names: c.1097A>G (NM_024700.2); short protein forms E366G.
Identifiers: ClinVar variation 30717 (VCV000030717.15), dbSNP rs387906986, ClinGen allele CA129414.